The following is an entry in ClinVar:

ClinVar aggregate classification (germline): Uncertain significance (1 of 4 stars; one submission).

Conditions:
Hereditary cancer-predisposing syndrome. Also called: Hereditary Cancer Syndrome; Hereditary neoplastic syndrome; Neoplastic Syndromes, Hereditary; Tumor predisposition. Identifiers: Orphanet 140162, MedGen C0027672, MeSH D009386, MONDO:0015356.

Submission:

Labcorp Genetics (formerly Invitae), Labcorp
Classification: Uncertain significance for Hereditary cancer-predisposing syndrome. Last evaluated: 2021-08-12. Review status: criteria provided, single submitter. Criteria: Invitae Variant Classification Sherloc (09022015). Collection method: clinical testing. Allele origin: germline.
Comment: Algorithms developed to predict the effect of missense changes on protein structure and function (SIFT, PolyPhen-2, Align-GVGD) all suggest that this variant is likely to be tolerated. In summary, the available evidence is currently insufficient to determine the role of this variant in disease. Therefore, it has been classified as a Variant of Uncertain Significance. This variant has not been reported in the literature in individuals affected with RAD50-related conditions. This variant is not present in population databases (ExAC no frequency). This sequence change replaces lysine with glutamic acid at codon 803 of the RAD50 protein (p.Lys803Glu). The lysine residue is moderately conserved and there is a small physicochemical difference between lysine and glutamic acid.

NM_005732.4(RAD50):c.2407A>G (p.Lys803Glu)

Gene: RAD50 (RAD50 double strand break repair protein; plus strand). Cytogenetic location: 5q31.1.
Variant type: single nucleotide variant.
Coding change: c.2407A>G on transcript NM_005732.4 (MANE Select); coding-DNA position 2407, A replaced by G.
Protein change: p.Lys803Glu; replaces lysine 803 with glutamic acid.
Molecular consequence: missense variant.
Genome position (GRCh38, 1-based): chr5:132,603,929, A>G. VCF-style: chr5-132603929-A-G. GRCh37 (hg19) VCF-style: chr5-131939621-A-G.
Other names: short protein forms K803E.
Identifiers: ClinVar variation 1446505 (VCV001446505.6), dbSNP rs2149847228, ClinGen allele CA360955323.
Genomic context (GRCh38, chr5:132,603,929, plus strand): 5'-TGAATAATGCAGTAAGTTTATTAAAGGAAATCATTTTGTTATATTCTTAAGATGGAACTT[A>G]AAGATGTTGAAAGAAAAATTGCACAACAAGCAGCTAAGCTACAAGGAATAGACTTAGATC-3'
Protein context (NP_005723.2, residues 793-813): TIMERFQMEL[Lys803Glu]DVERKIAQQA